The following is an entry in ClinVar:

ClinVar aggregate classification (germline): Uncertain significance (1 of 4 stars; one submission).

Submission:

GeneDx
Classification: Uncertain significance. Last evaluated: 2024-04-23. Review status: criteria provided, single submitter. Criteria: GeneDx Variant Classification Process June 2021. Collection method: clinical testing. Allele origin: germline. Affected: yes.
Comment: Not observed at significant frequency in large population cohorts (gnomAD); In silico analysis supports that this missense variant has a deleterious effect on protein structure/function; Has not been previously published as pathogenic or benign to our knowledge; This variant is associated with the following publications: (PMID: 28393830)

NM_015450.3(POT1):c.1226C>T (p.Pro409Leu)

Gene: POT1 (protection of telomeres 1; minus strand). Cytogenetic location: 7q31.33.
Variant type: single nucleotide variant.
Coding change: c.1226C>T on transcript NM_015450.3 (MANE Select); coding-DNA position 1226, C replaced by T.
Protein change: p.Pro409Leu; replaces proline 409 with leucine.
Molecular consequence: missense variant. On other transcripts: non-coding transcript variant (3).
Genome position (GRCh38, 1-based): chr7:124,841,116, G>A on the plus strand (C>T on the coding strand, the complement: POT1 is on the minus strand). VCF-style: chr7-124841116-G-A. GRCh37 (hg19) VCF-style: chr7-124481170-G-A.
Other names: c.833C>T, p.Pro278Leu (NM_001042594.2); short protein forms P278L, P409L.
Identifiers: ClinVar variation 3372943 (VCV003372943.1).